The following is an entry in ClinVar:

ClinVar aggregate classification (germline): Uncertain significance (1 of 4 stars; one submission).

Conditions:
CHARGE syndrome (CHARGE). Also called: Coloboma, heart anomaly, choanal atresia, retardation, genital and ear anomalies; CHARGE association; Hall-Hittner syndrome; Hittner Hirsch Kreh syndrome; CHARGE ASSOCIATION--COLOBOMA, HEART ANOMALY, CHOANAL ATRESIA, RETARDATION, GENITAL AND EAR ANOMALIES. Identifiers: Orphanet 138, MedGen C0265354, MONDO:0008965.

Submission:

Labcorp Genetics (formerly Invitae), Labcorp
Classification: Uncertain significance for CHARGE syndrome. Last evaluated: 2021-11-15. Review status: criteria provided, single submitter. Criteria: Invitae Variant Classification Sherloc (09022015). Collection method: clinical testing. Allele origin: germline.
Comment: In summary, the available evidence is currently insufficient to determine the role of this variant in disease. Therefore, it has been classified as a Variant of Uncertain Significance. Algorithms developed to predict the effect of missense changes on protein structure and function are either unavailable or do not agree on the potential impact of this missense change (SIFT: "Deleterious"; PolyPhen-2: "Benign"; Align-GVGD: "Class C0"). This variant has not been reported in the literature in individuals affected with SEMA3E-related conditions. This variant is not present in population databases (gnomAD no frequency). This sequence change replaces valine, which is neutral and non-polar, with isoleucine, which is neutral and non-polar, at codon 374 of the SEMA3E protein (p.Val374Ile).

NM_012431.3(SEMA3E):c.1120G>A (p.Val374Ile)

Gene: SEMA3E (semaphorin 3E; minus strand). Cytogenetic location: 7q21.11.
Variant type: single nucleotide variant.
Coding change: c.1120G>A on transcript NM_012431.3 (MANE Select); coding-DNA position 1120, G replaced by A.
Protein change: p.Val374Ile; replaces valine 374 with isoleucine.
Molecular consequence: missense variant.
Genome position (GRCh38, 1-based): chr7:83,402,655, C>T on the plus strand (G>A on the coding strand, the complement: SEMA3E is on the minus strand). VCF-style: chr7-83402655-C-T. GRCh37 (hg19) VCF-style: chr7-83031971-C-T.
Other names: c.940G>A, p.Val314Ile (NM_001178129.2); short protein forms V314I, V374I.
Identifiers: ClinVar variation 1503979 (VCV001503979.6), dbSNP rs1788253309, ClinGen allele CA367928969.